The following is an entry in ClinVar:

ClinVar aggregate classification (germline): Uncertain significance (1 of 4 stars; one submission).

Submission:

GeneDx
Classification: Uncertain significance. Last evaluated: 2024-06-20. Review status: criteria provided, single submitter. Criteria: GeneDx Variant Classification Process June 2021. Collection method: clinical testing. Allele origin: germline. Affected: yes.
Comment: Not observed at significant frequency in large population cohorts (gnomAD); In silico analysis supports that this missense variant has a deleterious effect on protein structure/function; Has not been previously published as pathogenic or benign to our knowledge

NM_001457.4(FLNB):c.2096G>C (p.Arg699Pro)

Gene: FLNB (filamin B; plus strand). Cytogenetic location: 3p14.3.
Variant type: single nucleotide variant.
Coding change: c.2096G>C on transcript NM_001457.4 (MANE Select); coding-DNA position 2096, G replaced by C.
Protein change: p.Arg699Pro; replaces arginine 699 with proline.
Molecular consequence: missense variant.
Genome position (GRCh38, 1-based): chr3:58,109,219, G>C. VCF-style: chr3-58109219-G-C. GRCh37 (hg19) VCF-style: chr3-58094946-G-C.
Other names: c.2096G>C, p.Arg699Pro (NM_001164317.2, NM_001164318.2, NM_001164319.2); short protein forms R699P.
Identifiers: ClinVar variation 3391776 (VCV003391776.1).
Genomic context (GRCh38, chr3:58,109,219, plus strand): 5'-TAGCTCTGGCTTTTTTGCAGGATGGGGAAGGCCAACGCATTGACATCCAGATGAAGAACC[G>C]GATGGACGGCACATATGCATGCTCATACACCCCGGTGAAGGCCATCAAGCACACCATTGC-3'
Protein context (NP_001448.2, residues 689-709): GQRIDIQMKN[Arg699Pro]MDGTYACSYT